The following is an entry in ClinVar:

NM_020374.4(FERRY3):c.447T>C (p.Phe149=)

Gene: FERRY3 (FERRY endosomal RAB5 effector complex subunit 3; minus strand). Cytogenetic location: 12p13.32.
Variant type: single nucleotide variant.
Coding change: c.447T>C on transcript NM_020374.4 (MANE Select); coding-DNA position 447, T replaced by C.
Protein change: p.Phe149=; no amino-acid change (phenylalanine 149 retained).
Molecular consequence: synonymous variant. On other transcripts: 5 prime UTR variant (3), non-coding transcript variant (3).
Genome position (GRCh38, 1-based): chr12:4,529,928, A>G on the plus strand (T>C on the coding strand, the complement: FERRY3 is on the minus strand). VCF-style: chr12-4529928-A-G. GRCh37 (hg19) VCF-style: chr12-4639094-A-G.
Other names: c.447T>C, p.Phe149= (NM_001304811.2, NM_001346153.2, NM_001346155.2); c.-73T>C (NM_001346156.2, NM_001346157.2); c.-299T>C (NM_001352962.2).
Identifiers: ClinVar variation 736588 (VCV000736588.17), dbSNP rs199562466, ClinGen allele CA6396356.

ClinVar aggregate classification (germline): Likely benign. Review status: criteria provided, multiple submitters, no conflicts (2 of 4 stars). 2 submissions from 2 submitters: Likely benign (2). Last evaluated 2026-07-01.

Allele frequency attached by ClinVar (database versions not stated): TOPMed 0.00010; gnomAD exomes 0.00012 and 0.00020; gnomAD 0.00013; ESP Exome Variant Server 0.00023; ExAC 0.00025; 1000 Genomes Project 30x 0.00047; 1000 Genomes Project 0.00060.
gnomAD v4.1: 195 of 1,613,484 alleles (0.012%); highest among the groups gnomAD compares: South Asian, 0.06%; 1 homozygote.

Submissions (2):

CeGaT Center for Human Genetics Tuebingen
Classification: Likely benign. Last evaluated: 2026-07-01. Review status: criteria provided, single submitter. Criteria: CeGaT Center For Human Genetics Tuebingen Variant Classification Criteria Version 2. Collection method: clinical testing. Allele origin: germline. Affected: yes. Observed: 3 variant alleles.
Comment: FERRY3: BP4, BP7

Labcorp Genetics (formerly Invitae), Labcorp
Classification: Likely benign. Last evaluated: 2018-07-03. Review status: criteria provided, single submitter. Criteria: Invitae Variant Classification Sherloc (09022015). Collection method: clinical testing. Allele origin: germline.